The following is an entry in ClinVar:

NM_000260.4(MYO7A):c.796C>T (p.Gln266Ter)

Gene: MYO7A (myosin VIIA; plus strand). Cytogenetic location: 11q13.5.
Variant type: single nucleotide variant.
Coding change: c.796C>T on transcript NM_000260.4 (MANE Select); coding-DNA position 796, C replaced by T.
Protein change: p.Gln266Ter; replaces glutamine 266 with a stop codon.
Molecular consequence: nonsense.
Genome position (GRCh38, 1-based): chr11:77,157,339, C>T. VCF-style: chr11-77157339-C-T. GRCh37 (hg19) VCF-style: chr11-76868385-C-T.
Other names: c.796C>T, p.Gln266Ter (NM_001127180.2); c.763C>T, p.Gln255Ter (NM_001369365.1); short protein forms Q255*, Q266*.
Identifiers: ClinVar variation 1390500 (VCV001390500.8), dbSNP rs2135244869, ClinGen allele CA381932501.

ClinVar aggregate classification (germline): Pathogenic/Likely pathogenic. Review status: criteria provided, multiple submitters, no conflicts (2 of 4 stars). 2 submissions from 2 submitters: Pathogenic (1); Likely pathogenic (1). Last evaluated 2022-11-22.

Conditions:
Usher syndrome type 1 (USH1). Also called: RETINITIS PIGMENTOSA AND CONGENITAL DEAFNESS. Identifiers: Orphanet 231169, Orphanet 886, MedGen C1568247, MONDO:0010168, OMIM 276900.

Submissions (2):

Labcorp Genetics (formerly Invitae), Labcorp
Classification: Pathogenic. Last evaluated: 2022-11-22. Review status: criteria provided, single submitter. Criteria: Invitae Variant Classification Sherloc (09022015). Collection method: clinical testing. Allele origin: germline.
Comment: This variant has not been reported in the literature in individuals affected with MYO7A-related conditions. ClinVar contains an entry for this variant (Variation ID: 1390500). For these reasons, this variant has been classified as Pathogenic. This variant is not present in population databases (gnomAD no frequency). This sequence change creates a premature translational stop signal (p.Gln266*) in the MYO7A gene. It is expected to result in an absent or disrupted protein product. Loss-of-function variants in MYO7A are known to be pathogenic (PMID: 8900236, 25404053).

Myriad Genetics, Inc.
Classification: Likely pathogenic for Usher syndrome type 1. Last evaluated: 2022-01-02. Review status: criteria provided, single submitter. Criteria: Myriad Women's Health Autosomal Recessive and X-Linked Classification Criteria (2021). Collection method: clinical testing. Allele origin: unknown.
Comment: NM_000260.3(MYO7A):c.796C>T(Q266*) is expected to be pathogenic in the context of MYO7A-related disorders. This variant is predicted to lead to an abnormal or absent protein product due to the creation of a premature termination codon in MYO7A, a gene where loss-of-function variants are known to be pathogenic. Please note: this variant was assessed in the context of healthy population screening.

Literature cited by the submitters: PubMed 8900236 (cited by Labcorp Genetics (formerly Invitae), Labcorp); PubMed 25404053 (cited by Labcorp Genetics (formerly Invitae), Labcorp).